The following is an entry in ClinVar:

NM_014339.7(IL17RA):c.217C>G (p.Pro73Ala)

Gene: IL17RA (interleukin 17 receptor A; plus strand). Cytogenetic location: 22q11.1.
Variant type: single nucleotide variant.
Coding change: c.217C>G on transcript NM_014339.7 (MANE Select); coding-DNA position 217, C replaced by G.
Protein change: p.Pro73Ala; replaces proline 73 with alanine.
Molecular consequence: missense variant.
Genome position (GRCh38, 1-based): chr22:17,097,850, C>G. VCF-style: chr22-17097850-C-G. GRCh37 (hg19) VCF-style: chr22-17578740-C-G.
Other names: c.217C>G, p.Pro73Ala (NM_001289905.2); short protein forms P73A.
Identifiers: ClinVar variation 3674768 (VCV003674768.2).

ClinVar aggregate classification (germline): Uncertain significance (1 of 4 stars; one submission).

Conditions:
Immunodeficiency 51 (IMD51). Also called: CANDIDIASIS, FAMILIAL, 5. Identifiers: Orphanet 1334, MedGen C4310803, MONDO:0013500, OMIM 613953.

gnomAD v4.1: 1 of 1,614,224 alleles (0.000062%); highest among the groups gnomAD compares: Non-Finnish European, 0.000085%; no homozygotes.

Submission:

Labcorp Genetics (formerly Invitae), Labcorp
Classification: Uncertain significance for Immunodeficiency 51. Last evaluated: 2024-02-18. Review status: criteria provided, single submitter. Criteria: Invitae Variant Classification Sherloc (09022015). Collection method: clinical testing. Allele origin: germline.
Comment: This sequence change replaces proline, which is neutral and non-polar, with alanine, which is neutral and non-polar, at codon 73 of the IL17RA protein (p.Pro73Ala). This variant is not present in population databases (gnomAD no frequency). This variant has not been reported in the literature in individuals affected with IL17RA-related conditions. Advanced modeling of protein sequence and biophysical properties (such as structural, functional, and spatial information, amino acid conservation, physicochemical variation, residue mobility, and thermodynamic stability) performed at Invitae indicates that this missense variant is expected to disrupt IL17RA protein function with a positive predictive value of 80%. In summary, the available evidence is currently insufficient to determine the role of this variant in disease. Therefore, it has been classified as a Variant of Uncertain Significance.